The following is an entry in ClinVar:

NM_000038.6(APC):c.22C>T (p.Gln8Ter)

Gene: APC (APC regulator of Wnt signaling pathway; plus strand). Cytogenetic location: 5q22.2.
Variant type: single nucleotide variant.
Coding change: c.22C>T on transcript NM_000038.6 (MANE Select); coding-DNA position 22, C replaced by T.
Protein change: p.Gln8Ter; replaces glutamine 8 with a stop codon.
Molecular consequence: nonsense. On other transcripts: 5 prime UTR variant (1), intron variant (8).
Genome position (GRCh38, 1-based): chr5:112,754,912, C>T. VCF-style: chr5-112754912-C-T. GRCh37 (hg19) VCF-style: chr5-112090609-C-T.
Other names: c.22C>T, p.Gln8Ter (NM_001127510.3, NM_001354895.2, NM_001354896.2 and 2 more transcripts); c.-1014C>T (NM_001354906.2); c.166-11414C>T (NM_001354897.2, NM_001354902.2, NM_001127511.3); c.61-11414C>T (NM_001354898.2, NM_001354904.2); c.-42-11414C>T (NM_001354900.2, NM_001354901.2, NM_001354905.2); short protein forms Q8*.
Identifiers: ClinVar variation 482401 (VCV000482401.6), dbSNP rs1554067110, ClinGen allele CA16021383.
Genomic context (GRCh38, chr5:112,754,912, plus strand): 5'-AAATCCTTTTTAACCTTATAGGTCCAAGGGTAGCCAAGGATGGCTGCAGCTTCATATGAT[C>T]AGTTGTTAAAGCAAGTTGAGGCACTGAAGATGGAGAACTCAAATCTTCGACAAGAGCTAG-3'

ClinVar aggregate classification (germline): Uncertain significance (1 of 4 stars; one submission).

Conditions:
Hereditary cancer-predisposing syndrome. Also called: Neoplastic Syndromes, Hereditary; Tumor predisposition; Hereditary Cancer Syndrome; Hereditary neoplastic syndrome. Identifiers: Orphanet 140162, MedGen C0027672, MeSH D009386, MONDO:0015356.

Submission:

Ambry Genetics
Classification: Uncertain significance for Hereditary cancer-predisposing syndrome. Last evaluated: 2025-03-13. Review status: criteria provided, single submitter. Criteria: Ambry Variant Classification Scheme 2023. Collection method: clinical testing. Allele origin: germline.
Comment: The p.Q8* variant (also known as c.22C>T), located in coding exon 1 of the APC gene, results from a C to T substitution at nucleotide position 22. This changes the amino acid from a glutamine to a stop codon within coding exon 1. This alteration is expected to result in loss of function by premature protein truncation or nonsense-mediated mRNA decay; however, this alteration and other loss-of-function alterations that occur at the extreme N-terminus of APC have been observed in numerous individuals who do not have a personal or family history that is consistent with or suggestive of APC associated disease (Ambry internal data). This suggests the use of an alternate translation initiation site which could be imparted by the second, in-frame methionine located at p.M18. Evidence for the use of this methionine or the functional characteristics of an APC protein lacking amino acids 1-17 have not been published. Based on the available evidence, the clinical significance of this variant remains unclear.